The following is an entry in ClinVar:

ClinVar aggregate classification (germline): Uncertain significance. Review status: criteria provided, multiple submitters, no conflicts (2 of 4 stars). 3 submissions from 3 submitters: Uncertain significance (3). Last evaluated 2026-05-08.

Conditions:
Brugada syndrome 5 (BRGDA5). Identifiers: Orphanet 130, Orphanet 871, MedGen C2748541, MONDO:0013015, OMIM 612838.
Cardiovascular phenotype. Identifiers: MedGen CN230736.

Allele frequency attached by ClinVar (database versions not stated): TOPMed 0.00001; gnomAD exomes 0.00002.
gnomAD v4.1: 27 of 1,614,092 alleles (0.0017%); highest among the groups gnomAD compares: East Asian, 0.0022%; no homozygotes.

Submissions (3):

GeneDx
Classification: Uncertain significance. Last evaluated: 2026-05-08. Review status: criteria provided, single submitter. Criteria: GeneDx Variant Classification Process June 2021. Collection method: clinical testing. Allele origin: germline.
Comment: Not observed at significant frequency in large population cohorts (gnomAD); In silico analysis suggests that this missense variant does not alter protein structure/function; Has not been previously published as pathogenic or benign to our knowledge

Labcorp Genetics (formerly Invitae), Labcorp
Classification: Uncertain significance for Brugada syndrome 5. Last evaluated: 2025-07-23. Review status: criteria provided, single submitter. Criteria: Invitae Variant Classification Sherloc (09022015). Collection method: clinical testing. Allele origin: germline.
Comment: This sequence change replaces isoleucine, which is neutral and non-polar, with valine, which is neutral and non-polar, at codon 106 of the SCN1B protein (p.Ile106Val). This variant is not present in population databases (gnomAD no frequency). This variant has not been reported in the literature in individuals affected with SCN1B-related conditions. ClinVar contains an entry for this variant (Variation ID: 1706108). An algorithm developed to predict the effect of missense changes on protein structure and function (PolyPhen-2) suggests that this variant is likely to be disruptive. In summary, the available evidence is currently insufficient to determine the role of this variant in disease. Therefore, it has been classified as a Variant of Uncertain Significance.

Ambry Genetics
Classification: Uncertain significance for Cardiovascular phenotype. Last evaluated: 2023-11-09. Review status: criteria provided, single submitter. Criteria: Ambry Variant Classification Scheme 2023. Collection method: clinical testing. Allele origin: germline.
Comment: The p.I106V variant (also known as c.316A>G), located in coding exon 3 of the SCN1B gene, results from an A to G substitution at nucleotide position 316. The isoleucine at codon 106 is replaced by valine, an amino acid with highly similar properties. This amino acid position is conserved. In addition, the in silico prediction for this alteration is inconclusive. Since supporting evidence is limited at this time, the clinical significance of this alteration remains unclear.

NM_001037.5(SCN1B):c.316A>G (p.Ile106Val)

Gene: SCN1B (sodium voltage-gated channel beta subunit 1; plus strand). Cytogenetic location: 19q13.11.
Variant type: single nucleotide variant.
Coding change: c.316A>G on transcript NM_001037.5 (MANE Select); coding-DNA position 316, A replaced by G.
Protein change: p.Ile106Val; replaces isoleucine 106 with valine.
Molecular consequence: missense variant.
Genome position (GRCh38, 1-based): chr19:35,033,607, A>G. VCF-style: chr19-35033607-A-G. GRCh37 (hg19) VCF-style: chr19-35524511-A-G.
Other names: c.217A>G, p.Ile73Val (NM_001321605.2); c.316A>G, p.Ile106Val (NM_199037.5); short protein forms I106V, I73V.
Identifiers: ClinVar variation 1706108 (VCV001706108.7), dbSNP rs931949929, ClinGen allele CA307703640.
Genomic context (GRCh38, chr19:35,033,607, plus strand): 5'-TTCGAGGGCCGCGTGGTGTGGAATGGCAGCCGGGGCACCAAAGACCTGCAGGATCTGTCT[A>G]TCTTCATCACCAATGTCACCTACAACCACTCGGGCGACTACGAGTGCCACGTCTACCGCC-3'
Protein context (NP_001028.1, residues 96-116): RGTKDLQDLS[Ile106Val]FITNVTYNHS